The following is an entry in ClinVar:

NM_172107.4(KCNQ2):c.427G>T (p.Val143Leu)

Gene: KCNQ2 (potassium voltage-gated channel subfamily Q member 2; minus strand). Cytogenetic location: 20q13.33.
Variant type: single nucleotide variant.
Coding change: c.427G>T on transcript NM_172107.4 (MANE Select); coding-DNA position 427, G replaced by T.
Protein change: p.Val143Leu; replaces valine 143 with leucine.
Molecular consequence: missense variant.
Genome position (GRCh38, 1-based): chr20:63,445,325, C>A on the plus strand (G>T on the coding strand, the complement: KCNQ2 is on the minus strand). VCF-style: chr20-63445325-C-A. GRCh37 (hg19) VCF-style: chr20-62076678-C-A.
Other names: c.427G>T, p.Val143Leu (NM_001382235.1, NM_004518.6, NM_172106.3 and 2 more transcripts); short protein forms V143L.
Identifiers: ClinVar variation 1357432 (VCV001357432.7), dbSNP rs768237205, ClinGen allele CA409655465.

ClinVar aggregate classification (germline): Uncertain significance (1 of 4 stars; one submission).

Conditions:
Early-infantile DEE. Also called: Early infantile epileptic encephalopathy with suppression bursts; Ohtahara syndrome; Early infantile epileptic encephalopathy. Identifiers: Orphanet 1934, MedGen C0393706, MONDO:0800491.

gnomAD v4.1: 3 of 1,613,740 alleles (0.00019%); highest among the groups gnomAD compares: Admixed American, 0.0017%; no homozygotes.

Submission:

Labcorp Genetics (formerly Invitae), Labcorp
Classification: Uncertain significance for Early-infantile DEE. Last evaluated: 2022-05-20. Review status: criteria provided, single submitter. Criteria: Invitae Variant Classification Sherloc (09022015). Collection method: clinical testing. Allele origin: germline.
Comment: This sequence change replaces valine, which is neutral and non-polar, with leucine, which is neutral and non-polar, at codon 143 of the KCNQ2 protein (p.Val143Leu). This variant is present in population databases (no rsID available, gnomAD 0.004%). This variant has not been reported in the literature in individuals affected with KCNQ2-related conditions. Advanced modeling of protein sequence and biophysical properties (such as structural, functional, and spatial information, amino acid conservation, physicochemical variation, residue mobility, and thermodynamic stability) performed at Invitae indicates that this missense variant is expected to disrupt KCNQ2 protein function. In summary, the available evidence is currently insufficient to determine the role of this variant in disease. Therefore, it has been classified as a Variant of Uncertain Significance.